The following is an entry in ClinVar:

NM_006231.4(POLE):c.3138C>T (p.Tyr1046=)

Gene: POLE (DNA polymerase epsilon, catalytic subunit; minus strand). Cytogenetic location: 12q24.33.
Variant type: single nucleotide variant.
Coding change: c.3138C>T on transcript NM_006231.4 (MANE Select); coding-DNA position 3138, C replaced by T.
Protein change: p.Tyr1046=; no amino-acid change (tyrosine 1046 retained).
Molecular consequence: synonymous variant.
Genome position (GRCh38, 1-based): chr12:132,659,432, G>A on the plus strand (C>T on the coding strand, the complement: POLE is on the minus strand). VCF-style: chr12-132659432-G-A. GRCh37 (hg19) VCF-style: chr12-133236018-G-A.
Identifiers: ClinVar variation 384741 (VCV000384741.16), dbSNP rs779628723, ClinGen allele CA6893349.

ClinVar aggregate classification (germline): Likely benign. Review status: criteria provided, multiple submitters, no conflicts (2 of 4 stars). 4 submissions from 4 submitters: Likely benign (3). 1 of the submissions does not count toward it. Last evaluated 2025-08-03.

Conditions:
POLE-related disorder. Also called: POLE-related condition; POLE-related disorders.
Hereditary cancer-predisposing syndrome. Also called: Hereditary Cancer Syndrome; Hereditary neoplastic syndrome; Neoplastic Syndromes, Hereditary; Tumor predisposition. Identifiers: Orphanet 140162, MedGen C0027672, MeSH D009386, MONDO:0015356.

Allele frequency attached by ClinVar (database versions not stated): gnomAD 0.00001; gnomAD exomes 0.00001 and 0.00002; ExAC 0.00002; TOPMed 0.00002.
gnomAD v4.1: 13 of 1,614,202 alleles (0.00081%); highest among the groups gnomAD compares: South Asian, 0.0066%; no homozygotes.

Submissions (4):

Labcorp Genetics (formerly Invitae), Labcorp
Classification: Likely benign. Last evaluated: 2025-08-03. Review status: criteria provided, single submitter. Criteria: Invitae Variant Classification Sherloc (09022015). Collection method: clinical testing. Allele origin: germline.

GeneDx
Classification: Likely benign. Last evaluated: 2017-04-21. Review status: criteria provided, single submitter. Criteria: GeneDx Variant Classification (06012015). Collection method: clinical testing. Allele origin: germline. Affected: yes.
Comment: This variant is considered likely benign or benign based on one or more of the following criteria: it is a conservative change, it occurs at a poorly conserved position in the protein, it is predicted to be benign by multiple in silico algorithms, and/or has population frequency not consistent with disease.

Ambry Genetics
Classification: Likely benign for Hereditary cancer-predisposing syndrome. Last evaluated: 2015-07-24. Review status: criteria provided, single submitter. Criteria: Ambry Variant Classification Scheme 2023. Collection method: clinical testing. Allele origin: germline.

PreventionGenetics, part of Exact Sciences
Classification: Likely benign for POLE-related condition. Last evaluated: 2023-10-31. Review status: no assertion criteria provided. Collection method: clinical testing. Allele origin: germline. Not counted in ClinVar's aggregate classification.
Comment: This variant is classified as likely benign based on ACMG/AMP sequence variant interpretation guidelines (Richards et al. 2015 PMID: 25741868, with internal and published modifications).